The following is an entry in ClinVar:

NM_016097.5(IER3IP1):c.163C>T (p.Leu55Phe)

Gene: IER3IP1 (immediate early response 3 interacting protein 1; minus strand). Cytogenetic location: 18q21.1.
Variant type: single nucleotide variant.
Coding change: c.163C>T on transcript NM_016097.5 (MANE Select); coding-DNA position 163, C replaced by T.
Protein change: p.Leu55Phe; replaces leucine 55 with phenylalanine.
Molecular consequence: missense variant.
Genome position (GRCh38, 1-based): chr18:47,157,466, G>A on the plus strand (C>T on the coding strand, the complement: IER3IP1 is on the minus strand). VCF-style: chr18-47157466-G-A. GRCh37 (hg19) VCF-style: chr18-44683837-G-A.
Other names: short protein forms L55F.
Identifiers: ClinVar variation 937203 (VCV000937203.10), dbSNP rs763173824, ClinGen allele CA8955713.

ClinVar aggregate classification (germline): Uncertain significance (1 of 4 stars; one submission).

Conditions:
Microcephaly, epilepsy, and diabetes syndrome. Identifiers: Orphanet 306558, MedGen C3280240, MONDO:0100328.

Allele frequency attached by ClinVar (database versions not stated): ExAC 0.00001.

Submission:

Labcorp Genetics (formerly Invitae), Labcorp
Classification: Uncertain significance for Microcephaly, epilepsy, and diabetes syndrome. Last evaluated: 2019-07-31. Review status: criteria provided, single submitter. Criteria: Invitae Variant Classification Sherloc (09022015). Collection method: clinical testing. Allele origin: germline.
Comment: In summary, the available evidence is currently insufficient to determine the role of this variant in disease. Therefore, it has been classified as a Variant of Uncertain Significance. Algorithms developed to predict the effect of missense changes on protein structure and function are either unavailable or do not agree on the potential impact of this missense change (SIFT: "Deleterious"; PolyPhen-2: "Probably Damaging"; Align-GVGD: "Class C15"). This variant has not been reported in the literature in individuals with IER3IP1-related conditions. This variant is present in population databases (rs763173824, ExAC 0.001%). This sequence change replaces leucine with phenylalanine at codon 55 of the IER3IP1 protein (p.Leu55Phe). The leucine residue is highly conserved and there is a small physicochemical difference between leucine and phenylalanine.